The following is an entry in ClinVar:

ClinVar aggregate classification (germline): Benign. Review status: criteria provided, single submitter (1 of 4 stars). 2 submissions from 1 submitter: Benign (2). Last evaluated 2018-01-13.

Conditions:
Charcot-Marie-Tooth disease type 4C (CMT4C). Also called: CHARCOT-MARIE-TOOTH DISEASE, DEMYELINATING, AUTOSOMAL RECESSIVE, TYPE 4C; CMT 4C; Charcot-Marie-Tooth Neuropathy Type 4C (CMT4C); CHARCOT-MARIE-TOOTH DISEASE, DEMYELINATING, TYPE 4C; SH3TC2-Related Hereditary Motor and Sensory Neuropathy. Identifiers: Orphanet 99949, MedGen C1866636, MONDO:0011113, OMIM 601596.
Susceptibility to mononeuropathy of the median nerve, mild. Also called: CARPAL TUNNEL SYNDROME, SUSCEPTIBILITY TO. Identifiers: MedGen C3150596, MONDO:0013237, OMIM 613353.

Allele frequency attached by ClinVar (database versions not stated): gnomAD 0.77125 and 0.77503; TOPMed 0.77769; 1000 Genomes Project 30x 0.80106; 1000 Genomes Project 0.80232.
gnomAD v4.1: 117,845 of 152,088 alleles (77%); highest among the groups gnomAD compares: East Asian, 97%; 46,103 homozygotes.

Submissions (2):

Illumina Laboratory Services, Illumina
Classification: Benign for Charcot-Marie-Tooth disease type 4C. Last evaluated: 2018-01-13. Review status: criteria provided, single submitter. Criteria: ICSL Variant Classification Criteria 13 December 2019. Collection method: clinical testing. Allele origin: germline.
Comment: This variant was observed in the ICSL laboratory as part of a predisposition screen in an ostensibly healthy population. It had not been previously curated by ICSL or reported in the Human Gene Mutation Database (HGMD: prior to June 1st, 2018), and was therefore a candidate for classification through an automated scoring system. Utilizing variant allele frequency, disease prevalence and penetrance estimates, and inheritance mode, an automated score was calculated to assess if this variant is too frequent to cause the disease. Based on the score and internal cut-off values, a variant classified as benign is not then subjected to further curation. The score for this variant resulted in a classification of benign for this disease.

Illumina Laboratory Services, Illumina
Classification: Benign for Susceptibility to mononeuropathy of the median nerve, mild. Last evaluated: 2018-01-13. Review status: criteria provided, single submitter. Criteria: ICSL Variant Classification Criteria 13 December 2019. Collection method: clinical testing. Allele origin: germline.
Comment: the same text as in the submission from Illumina Laboratory Services, Illumina above.

NM_024577.4(SH3TC2):c.*19919T>C

Genes: SH3TC2 (SH3 domain and tetratricopeptide repeats 2; minus strand), LOC126807546 (P300/CBP strongly-dependent group 1 enhancer GRCh37_chr5:148363540-148364739; plus strand). Cytogenetic location: 5q32.
Variant type: single nucleotide variant.
Coding change: c.*19919T>C on transcript NM_024577.4 (MANE Select); 19919 bases downstream of the stop codon, T replaced by C.
Molecular consequence: 3 prime UTR variant.
Genome position (GRCh38, 1-based): chr5:148,984,792, A>G on the plus strand (T>C on the coding strand, the complement: SH3TC2 is on the minus strand). VCF-style: chr5-148984792-A-G. GRCh37 (hg19) VCF-style: chr5-148364355-A-G.
Identifiers: ClinVar variation 351593 (VCV000351593.5), dbSNP rs2217638, ClinGen allele CA10619412.